The following is an entry in ClinVar:

ClinVar aggregate classification (germline): Uncertain significance (1 of 4 stars; one submission).

Allele frequency attached by ClinVar (database versions not stated): gnomAD 0.00003; TOPMed 0.00004.
gnomAD v4.1: 38 of 1,613,820 alleles (0.0024%); highest among the groups gnomAD compares: South Asian, 0.012%; no homozygotes.

Submission:

Labcorp Genetics (formerly Invitae), Labcorp
Classification: Uncertain significance. Last evaluated: 2022-08-12. Review status: criteria provided, single submitter. Criteria: Invitae Variant Classification Sherloc (09022015). Collection method: clinical testing. Allele origin: germline.
Comment: Algorithms developed to predict the effect of missense changes on protein structure and function are either unavailable or do not agree on the potential impact of this missense change (SIFT: "Tolerated"; PolyPhen-2: "Possibly Damaging"; Align-GVGD: "Class C0"). In summary, the available evidence is currently insufficient to determine the role of this variant in disease. Therefore, it has been classified as a Variant of Uncertain Significance. Variants that disrupt the consensus splice site are a relatively common cause of aberrant splicing (PMID: 17576681, 9536098). Algorithms developed to predict the effect of sequence changes on RNA splicing suggest that this variant may disrupt the consensus splice site. This variant has not been reported in the literature in individuals affected with SCNN1B-related conditions. The frequency data for this variant in the population databases is considered unreliable, as metrics indicate poor data quality at this position in the gnomAD database. This sequence change replaces arginine, which is basic and polar, with glutamine, which is neutral and polar, at codon 259 of the SCNN1B protein (p.Arg259Gln). This variant also falls at the last nucleotide of exon 4, which is part of the consensus splice site for this exon.

Literature cited by the submitters: PubMed 17576681; PubMed 9536098.

NM_000336.3(SCNN1B):c.776G>A (p.Arg259Gln)

Gene: SCNN1B (sodium channel epithelial 1 subunit beta; plus strand). Cytogenetic location: 16p12.2.
Variant type: single nucleotide variant.
Coding change: c.776G>A on transcript NM_000336.3 (MANE Select); coding-DNA position 776, G replaced by A.
Protein change: p.Arg259Gln; replaces arginine 259 with glutamine.
Molecular consequence: missense variant.
Genome position (GRCh38, 1-based): chr16:23,355,489, G>A. VCF-style: chr16-23355489-G-A. GRCh37 (hg19) VCF-style: chr16-23366810-G-A.
Other names: c.776G>A, p.Arg259Gln (NM_001410900.1); short protein forms R259Q.
Identifiers: ClinVar variation 2045404 (VCV002045404.2), dbSNP rs369198235, ClinGen allele CA7960233.
Genomic context (GRCh38, chr16:23,355,489, plus strand): 5'-GCTACCCCGGCGAGCAGATGATCCTGGCCTGCCTATTCGGAGCTGAGCCCTGCAACTACC[G>A]GTGAGAGCCACCCCAAGCCCACCCGGCCAGGCCCTGGCACCGAGAGACAGTGGCATGTTA-3'
Protein context (NP_000327.2, residues 249-269): CLFGAEPCNY[Arg259Gln]NFTSIFYPHY